The following is an entry in ClinVar:

ClinVar aggregate classification (germline): Pathogenic (1 of 4 stars; one submission).

Conditions:
Bethlem myopathy 1A. Also called: Bethlem Muscular Dystrophy; Bethlem myopathy 1; MYOPATHY, BENIGN CONGENITAL, WITH CONTRACTURES. Identifiers: Orphanet 610, MedGen CN029274, MONDO:0024530, OMIM 158810.

Submission:

Labcorp Genetics (formerly Invitae), Labcorp
Classification: Pathogenic for Bethlem myopathy 1A. Last evaluated: 2022-03-01. Review status: criteria provided, single submitter. Criteria: Invitae Variant Classification Sherloc (09022015). Collection method: clinical testing. Allele origin: germline.
Comment: For these reasons, this variant has been classified as Pathogenic. This variant disrupts the p.Gly292 amino acid residue in COL6A2. Other variant(s) that disrupt this residue have been observed in individuals with COL6A2-related conditions (PMID: 17785673, 24038877, 29419890, 32403337), which suggests that this may be a clinically significant amino acid residue. This variant disrupts the triple helix domain of COL6A2. Glycine residues within the Gly-Xaa-Yaa repeats of the triple helix domain are required for the structure and stability of fibrillar collagens (PMID: 7695699, 8218237, 19344236). In COL6A2, missense variants at these glycine residues are significantly enriched in individuals with autosomal dominant disease (PMID: 15689448, 24038877) compared to the general population (ExAC). Advanced modeling of protein sequence and biophysical properties (such as structural, functional, and spatial information, amino acid conservation, physicochemical variation, residue mobility, and thermodynamic stability) performed at Invitae indicates that this missense variant is expected to disrupt COL6A2 protein function. This missense change has been observed in individual(s) with autosomal dominant Ullrich congenital muscular dystrophy (PMID: 24038877). This variant is not present in population databases (gnomAD no frequency). This sequence change replaces glycine, which is neutral and non-polar, with aspartic acid, which is acidic and polar, at codon 292 of the COL6A2 protein (p.Gly292Asp).

Literature cited by the submitters: PubMed 17785673; PubMed 24038877; PubMed 29419890; PubMed 32403337; PubMed 7695699; PubMed 8218237; PubMed 19344236; PubMed 15689448.

NM_001849.4(COL6A2):c.875G>A (p.Gly292Asp)

Gene: COL6A2 (collagen type VI alpha 2 chain; plus strand). Cytogenetic location: 21q22.3.
Variant type: single nucleotide variant.
Coding change: c.875G>A on transcript NM_001849.4 (MANE Select); coding-DNA position 875, G replaced by A.
Protein change: p.Gly292Asp; replaces glycine 292 with aspartic acid.
Molecular consequence: missense variant.
Genome position (GRCh38, 1-based): chr21:46,116,028, G>A. VCF-style: chr21-46116028-G-A. GRCh37 (hg19) VCF-style: chr21-47535942-G-A.
Other names: c.875G>A, p.Gly292Asp (NM_058174.3, NM_058175.3); short protein forms G292D.
Identifiers: ClinVar variation 2138406 (VCV002138406.4), dbSNP rs794727855, ClinGen allele CA410525196.